The following is an entry in ClinVar:

ClinVar aggregate classification (germline): Pathogenic/Likely pathogenic. Review status: criteria provided, multiple submitters, no conflicts (2 of 4 stars). 3 submissions from 3 submitters: Pathogenic (1); Likely pathogenic (2). Last evaluated 2025-03-20.

Conditions:
USH2A-related disorder. Also called: USH2A-related condition; USH2A-related disorders. Identifiers: MedGen CN239332.
Usher syndrome type 2A. Also called: RETINAL DISEASE IN USHER SYNDROME TYPE IIA, MODIFIER OF; USHER SYNDROME, TYPE IIA. Identifiers: Orphanet 231178, Orphanet 886, MedGen C1848634, MONDO:0010169, OMIM 276901.

gnomAD v4.1: 1 of 1,613,344 alleles (0.000062%); highest among the groups gnomAD compares: Non-Finnish European, 0.000085%; no homozygotes.

Submissions (3):

Natera, Inc.
Classification: Likely pathogenic for Usher syndrome type 2A. Last evaluated: 2025-03-20. Review status: criteria provided, single submitter. Criteria: Natera Variant Classification Schema (03/2026). Collection method: clinical testing. Allele origin: germline.
Comment: The c.11683G>T variant in USH2A is a nonsense variant predicted to introduce a stop codon at amino acid 3895. This variant is expected to result in nonsense mediated decay, truncation, or a dysfunctional protein product. This variant is rare in the general population with a frequency below the threshold expected for the associated phenotype(s). Given the available evidence, this variant is classified as Likely Pathogenic.

Myriad Genetics, Inc.
Classification: Pathogenic for USH2A-related disorder. Last evaluated: 2024-10-16. Review status: criteria provided, single submitter. Criteria: Myriad Autosomal Dominant, Autosomal Recessive and X-Linked Classification Criteria (2023). Collection method: clinical testing. Allele origin: unknown.
Comment: NM_206933.2(USH2A):c.11683G>T(G3895*) is expected to be pathogenic in the context of USH2A-related disorders. This variant is predicted to lead to an abnormal or absent protein product due to the creation of a premature termination codon in USH2A, a gene where loss-of-function variants are known to be pathogenic. Please note: this variant was assessed in the context of healthy population screening.

Blueprint Genetics
Classification: Likely pathogenic for USH2A-related disorders. Last evaluated: 2022-03-25. Review status: criteria provided, single submitter. Criteria: ACMG Guidelines, 2015. Collection method: clinical testing. Allele origin: germline. Affected: yes. Observed: 1 variant allele.

NM_206933.4(USH2A):c.11683G>T (p.Gly3895Ter)

Gene: USH2A (usherin; minus strand). Cytogenetic location: 1q41.
Variant type: single nucleotide variant.
Coding change: c.11683G>T on transcript NM_206933.4 (MANE Select); coding-DNA position 11683, G replaced by T.
Protein change: p.Gly3895Ter; replaces glycine 3895 with a stop codon.
Molecular consequence: nonsense.
Genome position (GRCh38, 1-based): chr1:215,741,403, C>A on the plus strand (G>T on the coding strand, the complement: USH2A is on the minus strand). VCF-style: chr1-215741403-C-A. GRCh37 (hg19) VCF-style: chr1-215914745-C-A.
Other names: short protein forms G3895*.
Identifiers: ClinVar variation 4062716 (VCV004062716.4).
Genomic context (GRCh38, chr1:215,741,403, plus strand): 5'-TAACTAAAAATAATAGTAACAGCCAATCTTACCTGTAAATAAAGTAGTTGATGATGATTC[C>A]ATTTGGTTTTTCAGGTGGCATCCACTTAATCTCTATGCAAGCTGACCCCAGTGCCTTAAG-3'